The following is an entry in ClinVar:

NM_006017.3(PROM1):c.1234del (p.Tyr412fs)

Gene: PROM1 (prominin 1; minus strand). Cytogenetic location: 4p15.32.
Variant type: Deletion.
Coding change: c.1234del on transcript NM_006017.3 (MANE Select); coding-DNA position 1234, one base deleted (T; older notation c.1234delT).
Protein change: p.Tyr412fs; shifts the reading frame from tyrosine 412.
Molecular consequence: frameshift variant.
Genome position (GRCh38, 1-based): chr4:16,009,016, A deleted on the plus strand (T on the coding strand, the reverse complement: PROM1 is on the minus strand); the first of 3 consecutive A bases (chr4:16,009,016-16,009,018); deleting any one gives the same sequence. VCF-style (leftmost placement, unchanged base first): chr4-16009015-TA-T. GRCh37 (hg19) VCF-style: chr4-16010638-TA-T.
Other names: c.1207del, p.Tyr403fs (NM_001145847.2, NM_001145848.2, NM_001145851.2 and 4 more transcripts); c.1234del, p.Tyr412fs (NM_001145849.2, NM_001145850.2); c.1234delT (NM_006017.2); short protein forms Y403fs, Y412fs.
Identifiers: ClinVar variation 500442 (VCV000500442.16), dbSNP rs1460604134, ClinGen allele CA658796420.

ClinVar aggregate classification (germline): Pathogenic/Likely pathogenic. Review status: criteria provided, multiple submitters, no conflicts (2 of 4 stars). 5 submissions from 5 submitters: Pathogenic (3); Likely pathogenic (2). Last evaluated 2025-02-18.

Conditions:
PROM1-related disorder. Also called: PROM1-related condition; PROM1-related disorders.

Submissions (5):

Greenwood Genetic Center Diagnostic Laboratories, Greenwood Genetic Center
Classification: Likely pathogenic for PROM1-related disorder. Last evaluated: 2025-02-18. Review status: criteria provided, single submitter. Criteria: ACMG Guidelines, 2015. Collection method: clinical testing. Allele origin: germline. Affected: yes.
Comment: PVS1, PM2

PreventionGenetics, part of Exact Sciences
Classification: Likely pathogenic for PROM1-related condition. Last evaluated: 2023-07-05. Review status: criteria provided, single submitter. Criteria: ACMG Guidelines, 2015. Collection method: clinical testing. Allele origin: germline.
Comment: The PROM1 c.1234delT variant is predicted to result in a frameshift and premature protein termination (p.Tyr412Metfs*34). To our knowledge, this variant has not been reported in the literature or in a large population database, indicating this variant is rare. Frameshift variants in PROM1 are expected to be pathogenic. Therefore we interpret c.1234del (p.Tyr412Metfs*34) as likely pathogenic.

Labcorp Genetics (formerly Invitae), Labcorp
Classification: Pathogenic. Last evaluated: 2023-06-11. Review status: criteria provided, single submitter. Criteria: Invitae Variant Classification Sherloc (09022015). Collection method: clinical testing. Allele origin: germline.
Comment: For these reasons, this variant has been classified as Pathogenic. ClinVar contains an entry for this variant (Variation ID: 500442). This variant has not been reported in the literature in individuals affected with PROM1-related conditions. This variant is not present in population databases (gnomAD no frequency). This sequence change creates a premature translational stop signal (p.Tyr412Metfs*34) in the PROM1 gene. It is expected to result in an absent or disrupted protein product. Loss-of-function variants in PROM1 are known to be pathogenic (PMID: 17605048, 19718270, 24154662, 25474345).

Blueprint Genetics
Classification: Pathogenic for PROM1-related disorders. Last evaluated: 2022-06-06. Review status: criteria provided, single submitter. Criteria: ACMG Guidelines, 2015. Collection method: clinical testing. Allele origin: germline. Affected: yes. Observed: 4 variant alleles.

Eurofins Ntd Llc (ga)
Classification: Pathogenic. Last evaluated: 2017-04-11. Review status: criteria provided, single submitter. Criteria: EGL Classification Definitions 2015. Collection method: clinical testing. Allele origin: germline. Observed: 2 variant alleles, 2 heterozygotes.

Literature cited by the submitters: PubMed 17605048 (cited by Labcorp Genetics (formerly Invitae), Labcorp); PubMed 19718270 (cited by Labcorp Genetics (formerly Invitae), Labcorp); PubMed 24154662 (cited by Labcorp Genetics (formerly Invitae), Labcorp); PubMed 25474345 (cited by Labcorp Genetics (formerly Invitae), Labcorp).